The following is an entry in ClinVar:

ClinVar aggregate classification (germline): Uncertain significance (1 of 4 stars; one submission).

Submission:

Labcorp Genetics (formerly Invitae), Labcorp
Classification: Uncertain significance. Last evaluated: 2024-04-15. Review status: criteria provided, single submitter. Criteria: Invitae Variant Classification Sherloc (09022015). Collection method: clinical testing. Allele origin: germline.
Comment: This sequence change replaces tyrosine, which is neutral and polar, with cysteine, which is neutral and slightly polar, at codon 1238 of the CENPJ protein (p.Tyr1238Cys). This variant is not present in population databases (gnomAD no frequency). This variant has not been reported in the literature in individuals affected with CENPJ-related conditions. Advanced modeling of protein sequence and biophysical properties (such as structural, functional, and spatial information, amino acid conservation, physicochemical variation, residue mobility, and thermodynamic stability) performed at Invitae indicates that this missense variant is not expected to disrupt CENPJ protein function with a negative predictive value of 80%. In summary, the available evidence is currently insufficient to determine the role of this variant in disease. Therefore, it has been classified as a Variant of Uncertain Significance.

NM_018451.5(CPAP):c.3713A>G (p.Tyr1238Cys)

Genes: CPAP (centrosome assembly and centriole elongation protein; minus strand), RNF17 (ring finger protein 17; plus strand). Cytogenetic location: 13q12.12.
Variant type: single nucleotide variant.
Coding change: c.3713A>G on transcript NM_018451.5 (MANE Select); coding-DNA position 3713, A replaced by G.
Protein change: p.Tyr1238Cys; replaces tyrosine 1238 with cysteine.
Molecular consequence: missense variant. On other transcripts: non-coding transcript variant (2).
Genome position (GRCh38, 1-based): chr13:24,884,074, T>C on the plus strand (A>G on the coding strand, the complement: CPAP is on the minus strand). VCF-style: chr13-24884074-T-C. GRCh37 (hg19) VCF-style: chr13-25458212-T-C.
Other names: short protein forms Y1238C.
Identifiers: ClinVar variation 3645588 (VCV003645588.2).